The following is an entry in ClinVar:

NM_000093.5(COL5A1):c.5504G>C (p.Cys1835Ser)

Genes: COL5A1 (collagen type V alpha 1 chain; plus strand), LOC101448202 (uncharacterized LOC101448202; minus strand). Cytogenetic location: 9q34.3.
Variant type: single nucleotide variant.
Coding change: c.5504G>C on transcript NM_000093.5 (MANE Select); coding-DNA position 5504, G replaced by C.
Protein change: p.Cys1835Ser; replaces cysteine 1835 with serine.
Molecular consequence: missense variant.
Genome position (GRCh38, 1-based): chr9:134,842,290, G>C. VCF-style: chr9-134842290-G-C. GRCh37 (hg19) VCF-style: chr9-137734136-G-C.
Other names: c.5504G>C, p.Cys1835Ser (NM_001278074.1); c.5504G>C (NM_000093.3); short protein forms C1835S.
Identifiers: ClinVar variation 409092 (VCV000409092.13), dbSNP rs1060502246, ClinGen allele CA16612628.

ClinVar aggregate classification (germline): Conflicting classifications of pathogenicity. Review status: criteria provided, conflicting classifications (1 of 4 stars). 3 submissions from 3 submitters: Likely pathogenic (1); Uncertain significance (2). Last evaluated 2026-06-01.

Conditions:
Ehlers-Danlos syndrome, classic type, 1 (EDSCL1). Also called: Ehlers-Danlos Syndrome, Classic Type, COL5A1-Related; EDS I; EHLERS-DANLOS SYNDROME, GRAVIS TYPE; EHLERS-DANLOS SYNDROME, SEVERE CLASSIC TYPE; Ehlers-Danlos syndrome, type 1. Identifiers: MedGen C0268335, MONDO:0019567, OMIM 130000.

Allele frequency attached by ClinVar (database versions not stated): gnomAD exomes below 0.00001.
gnomAD v4.1: 1 of 1,614,194 alleles (0.000062%); highest among the groups gnomAD compares: Non-Finnish European, 0.000085%; no homozygotes.

Submissions (3):

CeGaT Center for Human Genetics Tuebingen
Classification: Uncertain significance. Last evaluated: 2026-06-01. Review status: criteria provided, single submitter. Criteria: CeGaT Center For Human Genetics Tuebingen Variant Classification Criteria Version 2. Collection method: clinical testing. Allele origin: germline. Affected: yes. Observed: 1 variant allele.
Comment: COL5A1: PM2, PM1:Supporting, PS4:Supporting

Labcorp Genetics (formerly Invitae), Labcorp
Classification: Likely pathogenic for Ehlers-Danlos syndrome, classic type, 1. Last evaluated: 2025-09-21. Review status: criteria provided, single submitter. Criteria: Invitae Variant Classification Sherloc (09022015). Collection method: clinical testing. Allele origin: germline.
Comment: This sequence change replaces cysteine, which is neutral and slightly polar, with serine, which is neutral and polar, at codon 1835 of the COL5A1 protein (p.Cys1835Ser). This variant is not present in population databases (gnomAD no frequency). This missense change has been observed in individuals with classic Ehlers-Danlos syndrome (PMID: 19370768). ClinVar contains an entry for this variant (Variation ID: 409092). Invitae Evidence Modeling of protein sequence and biophysical properties (such as structural, functional, and spatial information, amino acid conservation, physicochemical variation, residue mobility, and thermodynamic stability) has been performed for this missense variant. However, the output from this modeling did not meet the statistical confidence thresholds required to predict the impact of this variant on COL5A1 protein function. In summary, the currently available evidence indicates that the variant is pathogenic, but additional data are needed to prove that conclusively. Therefore, this variant has been classified as Likely Pathogenic.

GeneDx
Classification: Uncertain significance. Last evaluated: 2024-04-15. Review status: criteria provided, single submitter. Criteria: GeneDx Variant Classification Process June 2021. Collection method: clinical testing. Allele origin: germline. Affected: yes.
Comment: Has been reported in an individual with clinical features of classical EDS (PMID: 19370768); Not observed at significant frequency in large population cohorts (gnomAD); In silico analysis supports that this missense variant has a deleterious effect on protein structure/function; Not located in the triple helical region, where the majority of pathogenic missense variants occur (PMID: 22696272; HGMD); This variant is associated with the following publications: (PMID: 22696272, 19370768)

Literature cited by the submitters: PubMed 19370768 (cited by Labcorp Genetics (formerly Invitae), Labcorp).